The following is an entry in ClinVar:

ClinVar aggregate classification (germline): Conflicting classifications of pathogenicity. Review status: criteria provided, conflicting classifications (1 of 4 stars). 14 submissions from 14 submitters: Uncertain significance (5); Benign (1); Likely benign (5). 3 of the submissions do not count toward it. Last evaluated 2026-07-01.

Conditions:
SACS-related disorder. Also called: SACS-related condition.
Spastic paraplegia. Identifiers: MedGen C0037772, HP:0001258.
Hereditary spastic paraplegia. Also called: Familial spastic paraparesis. Identifiers: Orphanet 685, MedGen C0037773, MONDO:0019064. Disease mechanism: loss of function.
Charlevoix-Saguenay spastic ataxia (SACS). Also called: AUTOSOMAL RECESSIVE SPASTIC ATAXIA OF CHARLEVOIX-SAGUENAY; SPASTIC ATAXIA 6, AUTOSOMAL RECESSIVE; Spastic ataxia of Charlevoix-Saguenay. Identifiers: Orphanet 98, MedGen C1849140, MONDO:0010041, OMIM 270550.

Allele frequency attached by ClinVar (database versions not stated): 1000 Genomes Project 0.00080; ExAC 0.00281; gnomAD exomes 0.00286 and 0.00502; TOPMed 0.00311; gnomAD 0.00328 and 0.00332; ESP Exome Variant Server 0.00354; 1000 Genomes Project 30x 0.00078.
gnomAD v4.1: 7,780 of 1,613,692 alleles (0.48%); highest among the groups gnomAD compares: Non-Finnish European, 0.59%; 22 homozygotes.

Submissions (14):

CeGaT Center for Human Genetics Tuebingen
Classification: Likely benign. Last evaluated: 2026-07-01. Review status: criteria provided, single submitter. Criteria: CeGaT Center For Human Genetics Tuebingen Variant Classification Criteria Version 2. Collection method: clinical testing. Allele origin: germline. Affected: yes. Observed: 25 variant alleles.
Comment: SACS: PP3, BS2

Labcorp Genetics (formerly Invitae), Labcorp
Classification: Likely benign for Spastic paraplegia. Last evaluated: 2026-02-02. Review status: criteria provided, single submitter. Criteria: Invitae Variant Classification Sherloc (09022015). Collection method: clinical testing. Allele origin: germline.

Blueprint Genetics
Classification: Likely benign. Last evaluated: 2024-11-24. Review status: criteria provided, single submitter. Criteria: ACMG Guidelines, 2015. Collection method: clinical testing. Allele origin: germline.

Department of Pathology and Laboratory Medicine, Sinai Health System
Classification: Uncertain significance for Charlevoix-Saguenay spastic ataxia. Last evaluated: 2022-04-27. Review status: criteria provided, single submitter. Criteria: ACMG Guidelines, 2015. Collection method: research. Allele origin: germline.

Women's Health and Genetics/Laboratory Corporation of America, LabCorp
Classification: Likely benign. Last evaluated: 2022-03-13. Review status: criteria provided, single submitter. Criteria: LabCorp Variant Classification Summary - May 2015. Collection method: clinical testing. Allele origin: germline.
Comment: Variant summary: SACS c.8339T>G (p.Phe2780Cys) results in a non-conservative amino acid change in the encoded protein sequence. Five of five in-silico tools predict a damaging effect of the variant on protein function. The variant allele was found at a frequency of 0.0029 in 250866 control chromosomes in the gnomAD database, including 3 homozygotes. This frequency is not significantly higher than expected for a pathogenic variant in SACS causing Autosomal Recessive Spastic Ataxia Of Charlevoix-Saguenay (0.0029 vs 0.0079), allowing no conclusion about variant significance. c.8339T>G has been reported in the literature as segregating in cis with a different putative pathogenic variant (c.12416T>C, p.Leu4139Ser) in a family of five compound heterozygous individuals affected with Autosomal recessive spastic ataxia of Charlevoix-Saguenay (ARSACS) who harbored c.11675C>G, p.Ser3892* on the other allele (example, Parkinson_2018). The authors cited this variant's frequency and homozygosity in population databases as a rationale for unlikely to be pathogenic. It has also been reported as a non-informative genotype (phase not specified) in at-least one individual sequenced in a cohort of individuals with undiagnosed cerebellar ataxia (example, Coutelier_2018). These report(s) do not provide unequivocal conclusions about association of the variant with Autosomal Recessive Spastic Ataxia Of Charlevoix-Saguenay. To our knowledge, no variant specific experimental evidence demonstrating an impact on protein function has been reported. Nine clinical diagnostic laboratories have submitted clinical-significance assessments for this variant to ClinVar after 2014 without evidence for independent evaluation. Multiple laboratories reported the variant with conflicting assessments (benign/likely benign, n=4; VUS, n=5). Based on the evidence outlined above, the variant was classified as likely benign.

Genome-Nilou Lab
Classification: Uncertain significance for Charlevoix-Saguenay spastic ataxia. Last evaluated: 2021-05-18. Review status: criteria provided, single submitter. Criteria: ACMG Guidelines, 2015. Collection method: clinical testing. Allele origin: germline. Affected: no.

Genome Diagnostics Laboratory, The Hospital for Sick Children
Classification: Uncertain significance for Hereditary spastic paraplegia. Last evaluated: 2020-06-01. Review status: criteria provided, single submitter. Criteria: ACMG Guidelines, 2015. Collection method: clinical testing. Allele origin: germline. Affected: yes.

GeneDx
Classification: Likely benign. Last evaluated: 2020-03-24. Review status: criteria provided, single submitter. Criteria: GeneDx Variant Classification Process June 2021. Collection method: clinical testing. Allele origin: germline. Affected: yes.
Comment: This variant is associated with the following publications: (PMID: 29482223, 29538656, 23280630, 28535259)

Athena Diagnostics
Classification: Benign. Last evaluated: 2018-09-26. Review status: criteria provided, single submitter. Criteria: Athena Diagnostics Criteria. Collection method: clinical testing. Allele origin: germline.

Illumina Laboratory Services, Illumina
Classification: Uncertain significance for Charlevoix-Saguenay spastic ataxia. Last evaluated: 2018-01-13. Review status: criteria provided, single submitter. Criteria: ICSL Variant Classification Criteria 13 December 2019. Collection method: clinical testing. Allele origin: germline.

Eurofins Ntd Llc (ga)
Classification: Uncertain significance. Last evaluated: 2015-12-22. Review status: criteria provided, single submitter. Criteria: EGL Classification Definitions 2015. Collection method: clinical testing. Allele origin: germline. Observed: 2 variant alleles, 2 heterozygotes.

PreventionGenetics, part of Exact Sciences
Classification: Likely benign for SACS-related condition. Last evaluated: 2022-02-07. Review status: no assertion criteria provided. Collection method: clinical testing. Allele origin: germline. Not counted in ClinVar's aggregate classification.
Comment: This variant is classified as likely benign based on ACMG/AMP sequence variant interpretation guidelines (Richards et al. 2015 PMID: 25741868, with internal and published modifications).

Natera, Inc.
Classification: Likely benign for Charlevoix-Saguenay type spastic ataxia. Last evaluated: 2020-01-10. Review status: no assertion criteria provided. Collection method: clinical testing. Allele origin: germline. Not counted in ClinVar's aggregate classification.

Mayo Clinic Laboratories, Mayo Clinic
Classification: Uncertain significance. Last evaluated: 2016-03-07. Review status: no assertion criteria provided. Collection method: clinical testing. Allele origin: unknown. Not counted in ClinVar's aggregate classification.

Literature cited by the submitters: PubMed 28535259 (cited by Women's Health and Genetics/Laboratory Corporation of America, LabCorp and Athena Diagnostics); PubMed 29482223 (cited by Women's Health and Genetics/Laboratory Corporation of America, LabCorp); PubMed 29538656 (cited by Women's Health and Genetics/Laboratory Corporation of America, LabCorp and Athena Diagnostics); PubMed 23280630 (cited by Athena Diagnostics); PubMed 26302956 (cited by Athena Diagnostics).

NM_014363.6(SACS):c.8339T>G (p.Phe2780Cys)

Gene: SACS (sacsin molecular chaperone; minus strand). Cytogenetic location: 13q12.12.
Variant type: single nucleotide variant.
Coding change: c.8339T>G on transcript NM_014363.6 (MANE Select); coding-DNA position 8339, T replaced by G.
Protein change: p.Phe2780Cys; replaces phenylalanine 2780 with cysteine.
Molecular consequence: missense variant.
Genome position (GRCh38, 1-based): chr13:23,335,537, A>C on the plus strand (T>G on the coding strand, the complement: SACS is on the minus strand). VCF-style: chr13-23335537-A-C. GRCh37 (hg19) VCF-style: chr13-23909676-A-C.
Other names: c.7898T>G, p.Phe2633Cys (NM_001278055.2); short protein forms F2780C, F2633C.
Identifiers: ClinVar variation 240902 (VCV000240902.76), dbSNP rs111540787, ClinGen allele CA6910780.
Genomic context (GRCh38, chr13:23,335,537, plus strand): 5'-TGAACTGGTATGTCTTTGAGCTGCCTCTTTTTAGTAACACTATCAATTACAGATGCATGA[A>C]ATTGTTTCCTTTTCAATCTGTCTCCATCTGTGATTTTGCCCTTTACTGAATACAGCACAT-3'
Protein context (NP_055178.3, residues 2770-2790): TDGDRLKRKQ[Phe2780Cys]HASVIDSVTK